The following is an entry in ClinVar:

NM_001042492.3(NF1):c.480-2A>C

Gene: NF1 (neurofibromin 1; plus strand). Cytogenetic location: 17q11.2.
Variant type: single nucleotide variant.
Coding change: c.480-2A>C on transcript NM_001042492.3 (MANE Select); the canonical splice acceptor site of the intron before coding-DNA position 480, A replaced by C.
Molecular consequence: splice acceptor variant.
Genome position (GRCh38, 1-based): chr17:31,169,889, A>C. VCF-style: chr17-31169889-A-C. GRCh37 (hg19) VCF-style: chr17-29496907-A-C.
Other names: c.480-2A>C (NM_000267.4, NM_001128147.3).
Identifiers: ClinVar variation 3404632 (VCV003404632.3).

ClinVar aggregate classification (germline): Pathogenic/Likely pathogenic. Review status: criteria provided, multiple submitters, no conflicts (2 of 4 stars). 2 submissions from 2 submitters: Pathogenic (1); Likely pathogenic (1). Last evaluated 2025-04-03.

Conditions:
Hereditary cancer-predisposing syndrome. Also called: Hereditary Cancer Syndrome; Hereditary neoplastic syndrome; Neoplastic Syndromes, Hereditary; Tumor predisposition. Identifiers: Orphanet 140162, MedGen C0027672, MeSH D009386, MONDO:0015356.
Cardiovascular phenotype. Identifiers: MedGen CN230736.
Neurofibromatosis, type 1 (NF1). Also called: NEUROFIBROMATOSIS, TYPE I, SOMATIC; Neurofibromatosis, type I; Peripheral type neurofibromatosis; VON RECKLINGHAUSEN DISEASE. Identifiers: Orphanet 636, MedGen C0027831, MONDO:0018975, OMIM 162200. Disease mechanism: loss of function.

Submissions (2):

Labcorp Genetics (formerly Invitae), Labcorp
Classification: Pathogenic for Neurofibromatosis, type 1. Last evaluated: 2025-04-03. Review status: criteria provided, single submitter. Criteria: Invitae Variant Classification Sherloc (09022015). Collection method: clinical testing. Allele origin: germline.
Comment: This sequence change affects an acceptor splice site in intron 4 of the NF1 gene. RNA analysis indicates that disruption of this splice site induces altered splicing and may result in an absent or altered protein product. This variant is not present in population databases (gnomAD no frequency). Disruption of this splice site has been observed in individual(s) with neurofibromatosis type 1 (PMID: 34080803). ClinVar contains an entry for this variant (Variation ID: 3404632). Studies have shown that disruption of this splice site results in activation of a cryptic splice site, and produces a non-functional protein and/or introduces a premature termination codon (internal data). For these reasons, this variant has been classified as Pathogenic.

Ambry Genetics
Classification: Likely pathogenic for Cardiovascular phenotype; Hereditary cancer-predisposing syndrome. Last evaluated: 2024-07-03. Review status: criteria provided, single submitter. Criteria: Ambry Variant Classification Scheme 2023. Collection method: clinical testing. Allele origin: germline.
Comment: The c.480-2A>C intronic variant results from an A to C substitution two nucleotides upstream from coding exon 5 in the NF1 gene. This alteration was identified in multiple individuals diagnosed with neurofibromatosis type 1 (NF1) (Upadhyaya M et al. Hum Mutat, 2008 Aug;29:E103-11). This nucleotide position is highly conserved in available vertebrate species. In silico splice site analysis predicts that this alteration will weaken the native splice acceptor site and will result in the creation or strengthening of a novel splice acceptor site. This variant is considered to be rare based on population cohorts in the Genome Aggregation Database (gnomAD). Based on the majority of available evidence to date, this variant is likely to be pathogenic.

Literature cited by the submitters: PubMed 34080803 (cited by Labcorp Genetics (formerly Invitae), Labcorp); PubMed 18484666 (cited by Ambry Genetics).